The following is an entry in ClinVar:

ClinVar aggregate classification (germline): Uncertain significance (1 of 4 stars; one submission).

gnomAD v4.1: 1 of 1,611,842 alleles (0.000062%); highest among the groups gnomAD compares: Non-Finnish European, 0.000085%; no homozygotes.

Submission:

Labcorp Genetics (formerly Invitae), Labcorp
Classification: Uncertain significance. Last evaluated: 2022-03-03. Review status: criteria provided, single submitter. Criteria: Invitae Variant Classification Sherloc (09022015). Collection method: clinical testing. Allele origin: germline.
Comment: In summary, the available evidence is currently insufficient to determine the role of this variant in disease. Therefore, it has been classified as a Variant of Uncertain Significance. Experimental studies and prediction algorithms are not available or were not evaluated, and the functional significance of this variant is currently unknown. This variant has not been reported in the literature in individuals affected with SAMD9L-related conditions. This variant is present in population databases (no rsID available, gnomAD 0.0009%). This sequence change creates a premature translational stop signal (p.Ser1372*) in the SAMD9L gene. While this is not anticipated to result in nonsense mediated decay, it is expected to disrupt the last 213 amino acid(s) of the SAMD9L protein.

NM_152703.5(SAMD9L):c.4115C>A (p.Ser1372Ter)

Gene: SAMD9L (sterile alpha motif domain containing 9 like; minus strand). Cytogenetic location: 7q21.2.
Variant type: single nucleotide variant.
Coding change: c.4115C>A on transcript NM_152703.5 (MANE Select); coding-DNA position 4115, C replaced by A.
Protein change: p.Ser1372Ter; replaces serine 1372 with a stop codon.
Molecular consequence: nonsense.
Genome position (GRCh38, 1-based): chr7:93,131,857, G>T on the plus strand (C>A on the coding strand, the complement: SAMD9L is on the minus strand). VCF-style: chr7-93131857-G-T. GRCh37 (hg19) VCF-style: chr7-92761170-G-T.
Other names: c.4115C>A, p.Ser1372Ter (NM_001303496.3, NM_001303497.3, NM_001303498.3 and 5 more transcripts); short protein forms S1372*.
Identifiers: ClinVar variation 1461088 (VCV001461088.6), dbSNP rs1286770173, ClinGen allele CA368177005.